The following is an entry in ClinVar:

ClinVar aggregate classification (germline): Likely pathogenic (1 of 4 stars; one submission).

Conditions:
Mucopolysaccharidosis, MPS-IV-A (MPS4A). Also called: MPS IVA; GALACTOSAMINE-6-SULFATASE DEFICIENCY; GALNS DEFICIENCY; MORQUIO A DISEASE; Morquio syndrome A, mild; MORQUIO SYNDROME A. Identifiers: Orphanet 309297, Orphanet 582, MedGen C0086651, MONDO:0009659, OMIM 253000.

Submission:

Labcorp Genetics (formerly Invitae), Labcorp
Classification: Likely pathogenic for Mucopolysaccharidosis, MPS-IV-A. Last evaluated: 2022-09-13. Review status: criteria provided, single submitter. Criteria: Invitae Variant Classification Sherloc (09022015). Collection method: clinical testing. Allele origin: germline.
Comment: In summary, the currently available evidence indicates that the variant is pathogenic, but additional data are needed to prove that conclusively. Therefore, this variant has been classified as Likely Pathogenic. Algorithms developed to predict the effect of sequence changes on RNA splicing suggest that this variant may disrupt the consensus splice site. ClinVar contains an entry for this variant (Variation ID: 1486463). This variant has not been reported in the literature in individuals affected with GALNS-related conditions. This sequence change affects a donor splice site in intron 11 of the GALNS gene. It is expected to disrupt RNA splicing. Variants that disrupt the donor or acceptor splice site typically lead to a loss of protein function (PMID: 16199547), and loss-of-function variants in GALNS are known to be pathogenic (PMID: 12442278). This variant is not present in population databases (gnomAD no frequency).

Literature cited by the submitters: PubMed 16199547; PubMed 12442278.

NM_000512.5(GALNS):c.1242+1G>T

Gene: GALNS (galactosamine (N-acetyl)-6-sulfatase; minus strand). Cytogenetic location: 16q24.3.
Variant type: single nucleotide variant.
Coding change: c.1242+1G>T on transcript NM_000512.5 (MANE Select); the canonical splice donor site of the intron after coding-DNA position 1242, G replaced by T.
Molecular consequence: splice donor variant.
Genome position (GRCh38, 1-based): chr16:88,824,766, C>A on the plus strand (G>T on the coding strand, the complement: GALNS is on the minus strand). VCF-style: chr16-88824766-C-A. GRCh37 (hg19) VCF-style: chr16-88891174-C-A.
Other names: c.687+1G>T (NM_001323543.2); c.1260+1G>T (NM_001323544.2).
Identifiers: ClinVar variation 1486463 (VCV001486463.8), dbSNP rs2142993764, ClinGen allele CA397097350.